The following is an entry in ClinVar:

NM_001035.3(RYR2):c.13370A>G (p.Lys4457Arg)

Gene: RYR2 (ryanodine receptor 2; plus strand). Cytogenetic location: 1q43.
Variant type: single nucleotide variant.
Coding change: c.13370A>G on transcript NM_001035.3 (MANE Select); coding-DNA position 13370, A replaced by G.
Protein change: p.Lys4457Arg; replaces lysine 4457 with arginine.
Molecular consequence: missense variant.
Genome position (GRCh38, 1-based): chr1:237,788,029, A>G. VCF-style: chr1-237788029-A-G. GRCh37 (hg19) VCF-style: chr1-237951329-A-G.
Other names: short protein forms K4457R.
Identifiers: ClinVar variation 517162 (VCV000517162.25), dbSNP rs747584325, ClinGen allele CA085359.

ClinVar aggregate classification (germline): Uncertain significance. Review status: criteria provided, multiple submitters, no conflicts (2 of 4 stars). 6 submissions from 6 submitters: Uncertain significance (6). Last evaluated 2025-12-20.

Conditions:
Catecholaminergic polymorphic ventricular tachycardia 1. Also called: RYR2-Related Catecholaminergic Polymorphic Ventricular Tachycardia; VENTRICULAR TACHYCARDIA, CATECHOLAMINERGIC POLYMORPHIC, 1, WITH OR WITHOUT ATRIAL DYSFUNCTION AND/OR DILATED CARDIOMYOPATHY; VENTRICULAR TACHYCARDIA, STRESS-INDUCED POLYMORPHIC 1. Identifiers: Orphanet 3286, MedGen C1631597, MONDO:0011484, OMIM 604772.
Arrhythmogenic right ventricular dysplasia 2. Identifiers: MedGen C1832931.
Cardiovascular phenotype. Identifiers: MedGen CN230736.
Catecholaminergic polymorphic ventricular tachycardia (CVPT). Also called: Catecholamine-induced polymorphic ventricular tachycardia. Identifiers: Orphanet 3286, MedGen C5574922, MONDO:0017990.
Cardiomyopathy (CMYO). Also called: Cardiomyopathies. Identifiers: Orphanet 167848, MedGen C0878544, MONDO:0004994, HP:0001638. Inheritance: Various modes of inheritance.

Allele frequency attached by ClinVar (database versions not stated): gnomAD exomes below 0.00001 and 0.00001; TOPMed below 0.00001; ExAC 0.00002.
gnomAD v4.1: 6 of 1,607,142 alleles (0.00037%); highest among the groups gnomAD compares: Middle Eastern, 0.017%; no homozygotes.

Submissions (6):

Labcorp Genetics (formerly Invitae), Labcorp
Classification: Uncertain significance for Catecholaminergic polymorphic ventricular tachycardia 1. Last evaluated: 2025-12-20. Review status: criteria provided, single submitter. Criteria: Invitae Variant Classification Sherloc (09022015). Collection method: clinical testing. Allele origin: germline.
Comment: This sequence change replaces lysine, which is basic and polar, with arginine, which is basic and polar, at codon 4457 of the RYR2 protein (p.Lys4457Arg). The frequency data for this variant in the population databases is considered unreliable, as metrics indicate poor data quality at this position in the gnomAD database. This variant has not been reported in the literature in individuals affected with RYR2-related conditions. ClinVar contains an entry for this variant (Variation ID: 517162). Invitae Evidence Modeling of protein sequence and biophysical properties (such as structural, functional, and spatial information, amino acid conservation, physicochemical variation, residue mobility, and thermodynamic stability) indicates that this missense variant is not expected to disrupt RYR2 protein function with a negative predictive value of 95%. In summary, the available evidence is currently insufficient to determine the role of this variant in disease. Therefore, it has been classified as a Variant of Uncertain Significance.

Color Diagnostics, LLC DBA Color Health
Classification: Uncertain significance for Cardiomyopathy. Last evaluated: 2025-04-08. Review status: criteria provided, single submitter. Criteria: ACMG Guidelines, 2015. Collection method: clinical testing. Allele origin: germline.
Comment: This missense variant replaces lysine with arginine at codon 4457 of the RYR2 protein. Computational prediction suggests that this variant may not impact protein structure and function (internally defined REVEL score threshold <= 0.5, PMID: 27666373). To our knowledge, functional studies have not been reported for this variant. This variant has not been reported in individuals affected with cardiovascular disorders in the literature. This variant has been identified in 2/237190 chromosomes in the general population by the Genome Aggregation Database (gnomAD). The available evidence is insufficient to determine the role of this variant in disease conclusively. Therefore, this variant is classified as a Variant of Uncertain Significance.

All of Us Research Program, National Institutes of Health
Classification: Uncertain significance for Catecholaminergic polymorphic ventricular tachycardia. Last evaluated: 2024-09-23. Review status: criteria provided, single submitter. Criteria: ACMG Guidelines, 2015. Collection method: clinical testing. Allele origin: germline. Inheritance: Autosomal dominant inheritance. Observed: 3 variant alleles, 3 heterozygotes.
Comment: This missense variant replaces lysine with arginine at codon 4457 of the RYR2 protein. Computational prediction suggests that this variant may not impact protein structure and function (internally defined REVEL score threshold <= 0.5, PMID: 27666373). To our knowledge, functional studies have not been reported for this variant. This variant has not been reported in individuals affected with cardiovascular disorders in the literature. This variant has been identified in 2/237190 chromosomes in the general population by the Genome Aggregation Database (gnomAD). The available evidence is insufficient to determine the role of this variant in disease conclusively. Therefore, this variant is classified as a Variant of Uncertain Significance.

This study involves interpretation of variants in research participants for the purpose of population health screening. Participant phenotype was not available at the time of variant classification. Additional details can be found in publication PMID: 35346344, PMCID: PMC8962531

Fulgent Genetics
Classification: Uncertain significance for Catecholaminergic polymorphic ventricular tachycardia 1. Last evaluated: 2018-10-31. Review status: criteria provided, single submitter. Criteria: ACMG Guidelines, 2015. Collection method: clinical testing. Allele origin: unknown.

Laboratory for Molecular Medicine, Mass General Brigham Personalized Medicine
Classification: Uncertain significance. Last evaluated: 2016-11-15. Review status: criteria provided, single submitter. Criteria: LMM Criteria. Collection method: clinical testing. Allele origin: germline. Observed: 1 variant allele.
Comment: The p.Lys4457Arg variant in RYR2 has not been previously reported in individuals with cardiomyopathy, but has been identified in 1/35310 European chromosomes by the Exome Aggregation Consortium (ExAC; dbSNP r s747584325). Computational prediction tools and conservation analysis suggest th at the p.Lys4457Arg variant may not impact the protein, though this information is not predictive enough to rule out pathogenicity. In summary, the clinical sig nificance of the p.Lys4457Arg variant is uncertain.

Ambry Genetics
Classification: Uncertain significance for Cardiovascular phenotype. Last evaluated: 2015-10-21. Review status: criteria provided, single submitter. Criteria: Ambry Variant Classification Scheme 2023. Collection method: clinical testing. Allele origin: germline.
Comment: The p.K4457R variant (also known as c.13370A>G), located in coding exon 92 of the RYR2 gene, results from an A to G substitution at nucleotide position 13370. The lysine at codon 4457 is replaced by arginine, an amino acid with highly similar properties. Based on data from ExAC, the G allele was reported in 1 of 65052 total alleles (Exome Aggregation Consortium (ExAC), Cambridge, MA (URL) [Accessed October 16, 2015]). This variant was not reported in population based cohorts in the following databases: Database of Single Nucleotide Polymorphisms (dbSNP), NHLBI Exome Sequencing Project (ESP), and 1000 Genomes Project. In the ESP, this variant was not observed in 6321 samples (12642 alleles) with coverage at this position. This amino acid position is well conserved in available vertebrate species; however, arginine is the reference amino acid in two species. In addition, this alteration is predicted to be tolerated by in silico analysis. Since supporting evidence is limited at this time, the clinical significance of this variant remains unclear.